The following is an entry in ClinVar:

NM_000038.6(APC):c.2707G>T (p.Asp903Tyr)

Gene: APC (APC regulator of Wnt signaling pathway; plus strand). Cytogenetic location: 5q22.2.
Variant type: single nucleotide variant.
Coding change: c.2707G>T on transcript NM_000038.6 (MANE Select); coding-DNA position 2707, G replaced by T.
Protein change: p.Asp903Tyr; replaces aspartic acid 903 with tyrosine.
Molecular consequence: missense variant.
Genome position (GRCh38, 1-based): chr5:112,838,301, G>T. VCF-style: chr5-112838301-G-T. GRCh37 (hg19) VCF-style: chr5-112173998-G-T.
Other names: c.2707G>T, p.Asp903Tyr (NM_001127510.3, NM_001354895.2); c.2653G>T, p.Asp885Tyr (NM_001127511.3); c.2761G>T, p.Asp921Tyr (NM_001354896.2); c.2737G>T, p.Asp913Tyr (NM_001354897.2); c.2632G>T, p.Asp878Tyr (NM_001354898.2); c.2623G>T, p.Asp875Tyr (NM_001354899.2); c.2584G>T, p.Asp862Tyr (NM_001354900.2); c.2530G>T, p.Asp844Tyr (NM_001354901.2); and 5 more; short protein forms D885Y, D903Y, D620Y, D802Y, D777Y, D844Y, D875Y, D878Y.
Identifiers: ClinVar variation 142645 (VCV000142645.3), dbSNP rs587782610, ClinGen allele CA007742.

ClinVar aggregate classification (germline): Uncertain significance (1 of 4 stars; one submission).

Conditions:
Hereditary cancer-predisposing syndrome. Also called: Hereditary Cancer Syndrome; Neoplastic Syndromes, Hereditary; Hereditary neoplastic syndrome; Tumor predisposition. Identifiers: Orphanet 140162, MedGen C0027672, MeSH D009386, MONDO:0015356.

Submission:

Ambry Genetics
Classification: Uncertain significance for Hereditary cancer-predisposing syndrome. Last evaluated: 2012-06-22. Review status: criteria provided, single submitter. Criteria: Ambry Autosomal Dominant and X-Linked criteria (10/2015). Collection method: clinical testing. Allele origin: germline. Observed: 1 variant allele.
Comment: There is insufficient or conflicting evidence for classification of this alteration.